The following is an entry in ClinVar:

ClinVar aggregate classification (germline): Benign/Likely benign. Review status: criteria provided, multiple submitters, no conflicts (2 of 4 stars). 3 submissions from 3 submitters: Benign (1); Likely benign (2). Last evaluated 2024-11-05.

Conditions:
Occult macular dystrophy (OCMD). Also called: OMD; OCCULT MACULAR DYSTROPHY, SUSCEPTIBILITY TO. Identifiers: Orphanet 247834, MedGen C3150833, MONDO:0013316, OMIM 613587, HP:0030636.

Allele frequency attached by ClinVar (database versions not stated): gnomAD below 0.00001 and 0.00001; ExAC 0.00002; gnomAD exomes 0.00003; 1000 Genomes Project 30x 0.00016; 1000 Genomes Project 0.00020.
gnomAD v4.1: 11 of 1,572,592 alleles (0.0007%); highest among the groups gnomAD compares: East Asian, 0.016%; no homozygotes.

Submissions (3):

Labcorp Genetics (formerly Invitae), Labcorp
Classification: Likely benign. Last evaluated: 2024-11-05. Review status: criteria provided, single submitter. Criteria: Invitae Variant Classification Sherloc (09022015). Collection method: clinical testing. Allele origin: germline.

Blueprint Genetics
Classification: Likely benign. Last evaluated: 2023-09-27. Review status: criteria provided, single submitter. Criteria: ACMG Guidelines, 2015. Collection method: clinical testing. Allele origin: germline.

Illumina Laboratory Services, Illumina
Classification: Benign for Occult macular dystrophy. Last evaluated: 2018-01-12. Review status: criteria provided, single submitter. Criteria: ICSL Variant Classification Criteria 13 December 2019. Collection method: clinical testing. Allele origin: germline.
Comment: This variant was observed in the ICSL laboratory as part of a predisposition screen in an ostensibly healthy population. It had not been previously curated by ICSL or reported in the Human Gene Mutation Database (HGMD: prior to June 1st, 2018), and was therefore a candidate for classification through an automated scoring system. Utilizing variant allele frequency, disease prevalence and penetrance estimates, and inheritance mode, an automated score was calculated to assess if this variant is too frequent to cause the disease. Based on the score and internal cut-off values, a variant classified as benign is not then subjected to further curation. The score for this variant resulted in a classification of benign for this disease.

NM_178857.6(RP1L1):c.24C>G (p.Ala8=)

Gene: RP1L1 (RP1 like 1). Cytogenetic location: 8p23.1.
Variant type: single nucleotide variant.
Coding change: c.24C>G on transcript NM_178857.6 (MANE Select); coding-DNA position 24, C replaced by G.
Protein change: p.Ala8=; no amino-acid change (alanine 8 retained).
Molecular consequence: synonymous variant.
Genome position (GRCh38, 1-based): chr8:10,623,178, G>C on the plus strand (C>G on the coding strand, the complement: RP1L1 is on the minus strand). VCF-style: chr8-10623178-G-C. GRCh37 (hg19) VCF-style: chr8-10480688-G-C.
Identifiers: ClinVar variation 361432 (VCV000361432.10), dbSNP rs374965485, ClinGen allele CA4625915.